The following is an entry in ClinVar:

ClinVar aggregate classification (germline): Uncertain significance (1 of 4 stars; one submission).

Conditions:
Lymphoproliferative syndrome 1 (LPFS1). Identifiers: Orphanet 238505, Orphanet 538963, MedGen C3552634, MONDO:0013081, OMIM 613011.

Allele frequency attached by ClinVar (database versions not stated): ExAC 0.00001; 1000 Genomes Project 30x 0.00016; 1000 Genomes Project 0.00020.
gnomAD v4.1: 1 of 1,613,730 alleles (0.000062%); highest among the groups gnomAD compares: East Asian, 0.0022%; no homozygotes.

Submission:

Labcorp Genetics (formerly Invitae), Labcorp
Classification: Uncertain significance for Lymphoproliferative syndrome 1. Last evaluated: 2018-10-07. Review status: criteria provided, single submitter. Criteria: Invitae Variant Classification Sherloc (09022015). Collection method: clinical testing. Allele origin: germline.
Comment: In summary, the available evidence is currently insufficient to determine the role of this variant in disease. Therefore, it has been classified as a Variant of Uncertain Significance. Nucleotide substitutions within the consensus splice site are a relatively common cause of aberrant splicing (PMID: 17576681, 9536098). Algorithms developed to predict the effect of sequence changes on RNA splicing suggest that this variant may disrupt the consensus splice site, but this prediction has not been confirmed by published transcriptional studies. Algorithms developed to predict the effect of missense changes on protein structure and function (SIFT, PolyPhen-2, Align-GVGD) all suggest that this variant is likely to be tolerated, but these predictions have not been confirmed by published functional studies and their clinical significance is uncertain. This variant has not been reported in the literature in individuals with ITK-related disease. This variant is present in population databases (rs533252659, ExAC 0.01%). This sequence change replaces arginine with serine at codon 165 of the ITK protein (p.Arg165Ser). The arginine residue is moderately conserved and there is a moderate physicochemical difference between arginine and serine. This variant also falls at the last nucleotide of exon 5 of the ITK coding sequence, which is part of the consensus splice site for this exon.

Literature cited by the submitters: PubMed 17576681; PubMed 9536098.

NM_005546.4(ITK):c.495G>T (p.Arg165Ser)

Gene: ITK (IL2 inducible T cell kinase; plus strand). Cytogenetic location: 5q33.3.
Variant type: single nucleotide variant.
Coding change: c.495G>T on transcript NM_005546.4 (MANE Select); coding-DNA position 495, G replaced by T.
Protein change: p.Arg165Ser; replaces arginine 165 with serine.
Molecular consequence: missense variant.
Genome position (GRCh38, 1-based): chr5:157,217,907, G>T. VCF-style: chr5-157217907-G-T. GRCh37 (hg19) VCF-style: chr5-156644917-G-T.
Other names: short protein forms R165S.
Identifiers: ClinVar variation 654225 (VCV000654225.9), dbSNP rs533252659, ClinGen allele CA3532769.